The following is an entry in ClinVar:

NM_153603.4(COG7):c.1765C>T (p.Arg589Cys)

Gene: COG7 (component of oligomeric golgi complex 7; minus strand). Cytogenetic location: 16p12.2.
Variant type: single nucleotide variant.
Coding change: c.1765C>T on transcript NM_153603.4 (MANE Select); coding-DNA position 1765, C replaced by T.
Protein change: p.Arg589Cys; replaces arginine 589 with cysteine.
Molecular consequence: missense variant.
Genome position (GRCh38, 1-based): chr16:23,403,732, G>A on the plus strand (C>T on the coding strand, the complement: COG7 is on the minus strand). VCF-style: chr16-23403732-G-A. GRCh37 (hg19) VCF-style: chr16-23415053-G-A.
Other names: c.1765C>T (NM_153603.3); short protein forms R589C.
Identifiers: ClinVar variation 2080252 (VCV002080252.3), dbSNP rs2506567574, ClinGen allele CA395117950.

ClinVar aggregate classification (germline): Uncertain significance. Review status: criteria provided, multiple submitters, no conflicts (2 of 4 stars). 2 submissions from 2 submitters: Uncertain significance (2). Last evaluated 2023-06-07.

Conditions:
Inborn genetic diseases. Identifiers: MedGen C0950123, MeSH D030342.
COG7 congenital disorder of glycosylation (CDG2E). Also called: CONGENITAL DISORDER OF GLYCOSYLATION, TYPE IIe; CDG IIe. Identifiers: Orphanet 79333, MedGen C2931010, MONDO:0012118, OMIM 608779.

gnomAD v4.1: 10 of 1,614,172 alleles (0.00062%); highest among the groups gnomAD compares: Non-Finnish European, 0.00068%; no homozygotes.

Submissions (2):

Ambry Genetics
Classification: Uncertain significance for Inborn genetic diseases. Last evaluated: 2023-06-07. Review status: criteria provided, single submitter. Criteria: Ambry Variant Classification Scheme 2023. Collection method: clinical testing. Allele origin: germline.

Labcorp Genetics (formerly Invitae), Labcorp
Classification: Uncertain significance for COG7 congenital disorder of glycosylation. Last evaluated: 2022-07-06. Review status: criteria provided, single submitter. Criteria: Invitae Variant Classification Sherloc (09022015). Collection method: clinical testing. Allele origin: germline.
Comment: This sequence change replaces arginine, which is basic and polar, with cysteine, which is neutral and slightly polar, at codon 589 of the COG7 protein (p.Arg589Cys). This variant is not present in population databases (gnomAD no frequency). This variant has not been reported in the literature in individuals affected with COG7-related conditions. Algorithms developed to predict the effect of missense changes on protein structure and function are either unavailable or do not agree on the potential impact of this missense change (SIFT: "Deleterious"; PolyPhen-2: "Benign"; Align-GVGD: "Class C15"). In summary, the available evidence is currently insufficient to determine the role of this variant in disease. Therefore, it has been classified as a Variant of Uncertain Significance.